The following is an entry in ClinVar:

NM_000038.6(APC):c.3285G>T (p.Gln1095His)

Gene: APC (APC regulator of Wnt signaling pathway; plus strand). Cytogenetic location: 5q22.2.
Variant type: single nucleotide variant.
Coding change: c.3285G>T on transcript NM_000038.6 (MANE Select); coding-DNA position 3285, G replaced by T.
Protein change: p.Gln1095His; replaces glutamine 1095 with histidine.
Molecular consequence: missense variant. On other transcripts: non-coding transcript variant (2).
Genome position (GRCh38, 1-based): chr5:112,838,879, G>T. VCF-style: chr5-112838879-G-T. GRCh37 (hg19) VCF-style: chr5-112174576-G-T.
Other names: c.3285G>T, p.Gln1095His (NM_001127510.3, NM_001354895.2, NM_001407450.1); c.3231G>T, p.Gln1077His (NM_001127511.3); c.3339G>T, p.Gln1113His (NM_001354896.2, NM_001407447.1, NM_001407448.1 and 1 more transcripts); c.3315G>T, p.Gln1105His (NM_001354897.2); c.3210G>T, p.Gln1070His (NM_001354898.2); c.3201G>T, p.Gln1067His (NM_001354899.2); c.3162G>T, p.Gln1054His (NM_001354900.2); c.3108G>T, p.Gln1036His (NM_001354901.2, NM_001407453.1); and 11 more; short protein forms Q1004H, Q1012H, Q1036H, Q1054H, Q1067H, Q1070H, Q1077H, Q1085H.
Identifiers: ClinVar variation 4861058 (VCV004861058.1).

ClinVar aggregate classification (germline): Uncertain significance (1 of 4 stars; one submission).

Conditions:
Hereditary cancer-predisposing syndrome. Also called: Neoplastic Syndromes, Hereditary; Tumor predisposition; Hereditary Cancer Syndrome; Hereditary neoplastic syndrome. Identifiers: Orphanet 140162, MedGen C0027672, MeSH D009386, MONDO:0015356.

Submission:

Ambry Genetics
Classification: Uncertain significance for Hereditary cancer-predisposing syndrome. Last evaluated: 2026-04-02. Review status: criteria provided, single submitter. Criteria: Ambry Variant Classification Scheme 2023. Collection method: clinical testing. Allele origin: germline.
Comment: The p.Q1095H variant (also known as c.3285G>T), located in coding exon 15 of the APC gene, results from a G to T substitution at nucleotide position 3285. The glutamine at codon 1095 is replaced by histidine, an amino acid with highly similar properties. This amino acid position is conserved. In addition, in silico predictors for this gene do not accurately predict pathogenicity. Based on the available evidence, the clinical significance of this variant remains unclear.